The following is an entry in ClinVar:

ClinVar aggregate classification (germline): Likely benign (1 of 4 stars; one submission).

Allele frequency attached by ClinVar (database versions not stated): gnomAD exomes 0.00001.
gnomAD v4.1: 6 of 1,613,950 alleles (0.00037%); highest among the groups gnomAD compares: Non-Finnish European, 0.00051%; no homozygotes.

Submission:

Laboratory for Molecular Medicine, Mass General Brigham Personalized Medicine
Classification: Likely benign. Last evaluated: 2015-06-09. Review status: criteria provided, single submitter. Criteria: LMM Criteria. Collection method: clinical testing. Allele origin: germline. Observed: 1 variant allele.
Comment: p.Thr31714Thr in exon 307 of TTN: This variant is not expected to have clinical significance because it does not alter an amino acid residue and is not located within the splice consensus sequence.

NM_001267550.2(TTN):c.102846T>A (p.Thr34282=)

Genes: TTN (titin; minus strand), TTN-AS1 (TTN antisense RNA 1; plus strand). Cytogenetic location: 2q31.2.
Variant type: single nucleotide variant.
Coding change: c.102846T>A on transcript NM_001267550.2 (MANE Select); coding-DNA position 102846, T replaced by A.
Protein change: p.Thr34282=; no amino-acid change (threonine 34282 retained).
Molecular consequence: synonymous variant.
Genome position (GRCh38, 1-based): chr2:178,533,769, A>T on the plus strand (T>A on the coding strand, the complement: TTN is on the minus strand). VCF-style: chr2-178533769-A-T. GRCh37 (hg19) VCF-style: chr2-179398496-A-T.
Other names: c.95142T>A, p.Thr31714= (NM_133378.4); c.97923T>A, p.Thr32641= (NM_001256850.1); c.75651T>A, p.Thr25217= (NM_003319.4); c.76026T>A, p.Thr25342= (NM_133432.3); c.76227T>A, p.Thr25409= (NM_133437.4).
Identifiers: ClinVar variation 228177 (VCV000228177.5), dbSNP rs876657618, ClinGen allele CA10576450.